The following is an entry in ClinVar:

NM_000038.6(APC):c.6784A>G (p.Ser2262Gly)

Gene: APC (APC regulator of Wnt signaling pathway; plus strand). Cytogenetic location: 5q22.2.
Variant type: single nucleotide variant.
Coding change: c.6784A>G on transcript NM_000038.6 (MANE Select); coding-DNA position 6784, A replaced by G.
Protein change: p.Ser2262Gly; replaces serine 2262 with glycine.
Molecular consequence: missense variant.
Genome position (GRCh38, 1-based): chr5:112,842,378, A>G. VCF-style: chr5-112842378-A-G. GRCh37 (hg19) VCF-style: chr5-112178075-A-G.
Other names: c.6784A>G, p.Ser2262Gly (NM_001127510.3, NM_001354895.2); c.6730A>G, p.Ser2244Gly (NM_001127511.3); c.6838A>G, p.Ser2280Gly (NM_001354896.2); c.6814A>G, p.Ser2272Gly (NM_001354897.2); c.6709A>G, p.Ser2237Gly (NM_001354898.2); c.6700A>G, p.Ser2234Gly (NM_001354899.2); c.6661A>G, p.Ser2221Gly (NM_001354900.2); c.6607A>G, p.Ser2203Gly (NM_001354901.2); and 5 more; short protein forms S1979G, S2102G, S2136G, S2161G, S2171G, S2203G, S2221G, S2234G.
Identifiers: ClinVar variation 1059152 (VCV001059152.10), dbSNP rs1554087729, ClinGen allele CA16036147.

ClinVar aggregate classification (germline): Uncertain significance (1 of 4 stars; one submission).

Conditions:
Familial adenomatous polyposis 1 (FAP1). Also called: FAMILIAL ADENOMATOUS POLYPOSIS 1, ATTENUATED; POLYPOSIS, ADENOMATOUS INTESTINAL. Identifiers: MedGen C2713442, MONDO:0021056, OMIM 175100. Disease mechanism: loss of function.

Allele frequency attached by ClinVar (database versions not stated): gnomAD exomes below 0.00001.
gnomAD v4.1: 3 of 1,614,038 alleles (0.00019%); highest among the groups gnomAD compares: African/African-American, 0.004%; no homozygotes.

Submission:

Labcorp Genetics (formerly Invitae), Labcorp
Classification: Uncertain significance for Familial adenomatous polyposis 1. Last evaluated: 2023-06-23. Review status: criteria provided, single submitter. Criteria: Invitae Variant Classification Sherloc (09022015). Collection method: clinical testing. Allele origin: germline.
Comment: In summary, the available evidence is currently insufficient to determine the role of this variant in disease. Therefore, it has been classified as a Variant of Uncertain Significance. Advanced modeling of protein sequence and biophysical properties (such as structural, functional, and spatial information, amino acid conservation, physicochemical variation, residue mobility, and thermodynamic stability) performed at Invitae indicates that this missense variant is not expected to disrupt APC protein function. ClinVar contains an entry for this variant (Variation ID: 1059152). This variant has not been reported in the literature in individuals affected with APC-related conditions. This variant is not present in population databases (gnomAD no frequency). This sequence change replaces serine, which is neutral and polar, with glycine, which is neutral and non-polar, at codon 2262 of the APC protein (p.Ser2262Gly).